The following is an entry in ClinVar:

ClinVar aggregate classification (germline): Likely benign. Review status: criteria provided, multiple submitters, no conflicts (2 of 4 stars). 2 submissions from 2 submitters: Likely benign (2). Last evaluated 2025-08-01.

Conditions:
Dilated cardiomyopathy 1G (CMD1G). Identifiers: Orphanet 154, MedGen C1858763, MONDO:0011400, OMIM 604145.
Autosomal recessive limb-girdle muscular dystrophy type 2J (LGMDR10). Also called: MUSCULAR DYSTROPHY, LIMB-GIRDLE, AUTOSOMAL RECESSIVE 10; Limb-girdle muscular dystrophy, type 2J. Identifiers: Orphanet 140922, MedGen C1837342, MONDO:0012127, OMIM 608807.

Allele frequency attached by ClinVar (database versions not stated): gnomAD exomes below 0.00001; ExAC 0.00001; gnomAD 0.00001; TOPMed 0.00001.
gnomAD v4.1: 4 of 1,613,758 alleles (0.00025%); highest among the groups gnomAD compares: Admixed American, 0.0017%; no homozygotes.

Submissions (2):

CeGaT Center for Human Genetics Tuebingen
Classification: Likely benign. Last evaluated: 2025-08-01. Review status: criteria provided, single submitter. Criteria: CeGaT Center For Human Genetics Tuebingen Variant Classification Criteria Version 2. Collection method: clinical testing. Allele origin: germline. Affected: yes. Observed: 1 variant allele.
Comment: TTN: BP4, BP7

Labcorp Genetics (formerly Invitae), Labcorp
Classification: Likely benign for Dilated cardiomyopathy 1G; Autosomal recessive limb-girdle muscular dystrophy type 2J. Last evaluated: 2021-05-17. Review status: criteria provided, single submitter. Criteria: Invitae Variant Classification Sherloc (09022015). Collection method: clinical testing. Allele origin: germline.

NM_001267550.2(TTN):c.102096T>C (p.Tyr34032=)

Genes: TTN (titin; minus strand), TTN-AS1 (TTN antisense RNA 1; plus strand). Cytogenetic location: 2q31.2.
Variant type: single nucleotide variant.
Coding change: c.102096T>C on transcript NM_001267550.2 (MANE Select); coding-DNA position 102096, T replaced by C.
Protein change: p.Tyr34032=; no amino-acid change (tyrosine 34032 retained).
Molecular consequence: synonymous variant.
Genome position (GRCh38, 1-based): chr2:178,534,519, A>G on the plus strand (T>C on the coding strand, the complement: TTN is on the minus strand). VCF-style: chr2-178534519-A-G. GRCh37 (hg19) VCF-style: chr2-179399246-A-G.
Other names: c.97173T>C, p.Tyr32391= (NM_001256850.1); c.74901T>C, p.Tyr24967= (NM_003319.4); c.94392T>C, p.Tyr31464= (NM_133378.4); c.75276T>C, p.Tyr25092= (NM_133432.3); c.75477T>C, p.Tyr25159= (NM_133437.4).
Identifiers: ClinVar variation 1559493 (VCV001559493.16), dbSNP rs771155641, ClinGen allele CA1985812.